The following is an entry in ClinVar:

ClinVar aggregate classification (germline): Likely pathogenic (1 of 4 stars; one submission).

Submission:

GeneDx
Classification: Likely pathogenic. Last evaluated: 2017-08-11. Review status: criteria provided, single submitter. Criteria: GeneDx Variant Classification (06012015). Collection method: clinical testing. Allele origin: germline. Affected: yes.
Comment: The c.1273_1299del27 variant in the KRT5 gene has not been reported previously as a pathogenic variant, nor as a benign variant, to our knowledge. The c.1273_1299del27 variant causes an in-frame deletion of nine amino acids starting with Leucine 425, denoted p.Leu425_Ala433del. In silico analysis predicts this variant is probably damaging to the protein structure/function. The c.1273_1299del27 variant is not observed in large population cohorts (Lek et al., 2016; 1000 Genomes Consortium et al., 2015; Exome Variant Server). We interpret c.1273_1299del27 as a likely pathogenic variant.

NM_000424.4(KRT5):c.1273_1299del (p.Leu425_Ala433del)

Genes: KRT5 (keratin 5; minus strand), LOC126861525 (BRD4-independent group 4 enhancer GRCh37_chr12:52909857-52911056; plus strand). Cytogenetic location: 12q13.13.
Variant type: Deletion.
Coding change: c.1273_1299del on transcript NM_000424.4 (MANE Select); coding-DNA positions 1273 to 1299, 27 bases deleted (CTCAAGGATGCCAGGAACAAGCTGGCC).
Protein change: p.Leu425_Ala433del.
Molecular consequence: inframe deletion.
Genome position (GRCh38, 1-based): chr12:52,516,777-52,516,803, GGCCAGCTTGTTCCTGGCATCCTTGAG deleted on the plus strand (CTCAAGGATGCCAGGAACAAGCTGGCC on the coding strand, the reverse complement: KRT5 is on the minus strand); deleting any 27 consecutive bases within chr12:52,516,777-52,516,811 gives the same sequence; the c. name uses the placement nearest the transcript's 3' end. VCF-style (leftmost placement, unchanged base first): chr12-52516776-CGGCCAGCTTGTTCCTGGCATCCTTGAG-C. GRCh37 (hg19) VCF-style: chr12-52910560-CGGCCAGCTTGTTCCTGGCATCCTTGAG-C.
Other names: c.1273_1299delCTCAAGGATGCCAGGAACAAGCTGGCC (NM_000424.3).
Identifiers: ClinVar variation 451363 (VCV000451363.2), dbSNP rs1555156100, ClinGen allele CA658658155.